The following is an entry in ClinVar:

NM_025114.4(CEP290):c.5012+5G>A

Gene: CEP290 (centrosomal protein 290; minus strand). Cytogenetic location: 12q21.32.
Variant type: single nucleotide variant.
Coding change: c.5012+5G>A on transcript NM_025114.4 (MANE Select); 5 bases into the intron after coding-DNA position 5012, G replaced by A.
Molecular consequence: intron variant.
Genome position (GRCh38, 1-based): chr12:88,083,026, C>T on the plus strand (G>A on the coding strand, the complement: CEP290 is on the minus strand). VCF-style: chr12-88083026-C-T. GRCh37 (hg19) VCF-style: chr12-88476803-C-T.
Identifiers: ClinVar variation 1992215 (VCV001992215.1), dbSNP rs967797801, ClinGen allele CA241156537.
Genomic context (GRCh38, chr12:88,083,026, plus strand): 5'-TTATGTTTATCTTCATTATATCACTTATCATTTGCCTATTTTTACAATACATTTCGAAGA[C>T]TTACTGTAATTTGATATTTTCAAATTCTTTTACTTTTAATTCAGTGATTTCTCTTTGTCT-3'

ClinVar aggregate classification (germline): Uncertain significance (1 of 4 stars; one submission).

Conditions:
Joubert syndrome. Also called: CEREBELLOPARENCHYMAL DISORDER IV; JOUBERT-BOLTSHAUSER SYNDROME; Familial aplasia of the vermis. Identifiers: Orphanet 475, MedGen C5979921, MONDO:0018772.
Meckel-Gruber syndrome. Also called: DYSENCEPHALIA SPLANCHNOCYSTICA; GRUBER SYNDROME; Dysencephalia splachnocystica. Identifiers: Orphanet 564, MedGen C0265215, MONDO:0018921.
Nephronophthisis. Also called: Juvenile Nephronophthisis. Identifiers: Orphanet 655, MedGen C0687120, MONDO:0019005, HP:0000090.

Allele frequency attached by ClinVar (database versions not stated): TOPMed below 0.00001; gnomAD 0.00001.
gnomAD v4.1: 1 of 1,444,478 alleles (0.000069%); highest among the groups gnomAD compares: Non-Finnish European, 0.000094%; no homozygotes.

Submission:

Labcorp Genetics (formerly Invitae), Labcorp
Classification: Uncertain significance for Joubert syndrome; Meckel-Gruber syndrome; Nephronophthisis. Last evaluated: 2022-07-05. Review status: criteria provided, single submitter. Criteria: Invitae Variant Classification Sherloc (09022015). Collection method: clinical testing. Allele origin: germline.
Comment: This sequence change falls in intron 37 of the CEP290 gene. It does not directly change the encoded amino acid sequence of the CEP290 protein. It affects a nucleotide within the consensus splice site. This variant is not present in population databases (gnomAD no frequency). This variant has not been reported in the literature in individuals affected with CEP290-related conditions. Variants that disrupt the consensus splice site are a relatively common cause of aberrant splicing (PMID: 17576681, 9536098). Algorithms developed to predict the effect of sequence changes on RNA splicing suggest that this variant may disrupt the consensus splice site. In summary, the available evidence is currently insufficient to determine the role of this variant in disease. Therefore, it has been classified as a Variant of Uncertain Significance.

Literature cited by the submitters: PubMed 17576681; PubMed 9536098.